The following is an entry in ClinVar:

NM_000179.3(MSH6):c.3993A>G (p.Arg1331=)

Gene: MSH6 (mutS homolog 6; plus strand). Cytogenetic location: 2p16.3.
Variant type: single nucleotide variant.
Coding change: c.3993A>G on transcript NM_000179.3 (MANE Select); coding-DNA position 3993, A replaced by G.
Protein change: p.Arg1331=; no amino-acid change (arginine 1331 retained).
Molecular consequence: synonymous variant.
Genome position (GRCh38, 1-based): chr2:47,806,643, A>G. VCF-style: chr2-47806643-A-G. GRCh37 (hg19) VCF-style: chr2-48033782-A-G.
Other names: c.3603A>G, p.Arg1201= (NM_001281492.2); c.3087A>G, p.Arg1029= (NM_001281493.2, NM_001281494.2).
Identifiers: ClinVar variation 410387 (VCV000410387.15), dbSNP rs772401158, ClinGen allele CA072461.
Genomic context (GRCh38, chr2:47,806,643, plus strand): 5'-AGTTATTCAAAAGGGACATAGAAAAGCAAGAGAATTTGAGAAGATGAATCAGTCACTACG[A>G]TTATTTCGGTAACTAACTAACTATAATGGAATTATAACTAACTGACCTTAAGTTTCAAAG-3'
Protein context (NP_000170.1, residues 1321-1341): REFEKMNQSL[Arg1331=]LFREVCLASE

ClinVar aggregate classification (germline): Benign/Likely benign. Review status: criteria provided, multiple submitters, no conflicts (2 of 4 stars). 4 submissions from 4 submitters: Benign (1); Likely benign (3). Last evaluated 2025-01-08.

Conditions:
Hereditary cancer-predisposing syndrome. Also called: Tumor predisposition; Hereditary Cancer Syndrome; Hereditary neoplastic syndrome; Neoplastic Syndromes, Hereditary. Identifiers: Orphanet 140162, MedGen C0027672, MeSH D009386, MONDO:0015356.
Lynch syndrome 5 (LYNCH5). Also called: Hereditary non-polyposis colorectal cancer, type 5; Colorectal cancer, hereditary nonpolyposis, type 5. Identifiers: Orphanet 144, MedGen C1833477, MONDO:0013710, OMIM 614350. Disease mechanism: loss of function.
Hereditary nonpolyposis colorectal neoplasms. Identifiers: MedGen C0009405, MeSH D003123.

Allele frequency attached by ClinVar (database versions not stated): ExAC 0.00001; gnomAD exomes 0.00001.
gnomAD v4.1: 3 of 1,610,116 alleles (0.00019%); highest among the groups gnomAD compares: South Asian, 0.0033%; no homozygotes.

Submissions (4):

Myriad Genetics, Inc.
Classification: Benign for Lynch syndrome 5. Last evaluated: 2025-01-08. Review status: criteria provided, single submitter. Criteria: Myriad Autosomal Dominant, Autosomal Recessive and X-Linked Classification Criteria (2023). Collection method: clinical testing. Allele origin: unknown.
Comment: This variant is considered benign. This variant is a silent/synonymous amino acid change and it is not expected to impact splicing.

Color Diagnostics, LLC DBA Color Health
Classification: Likely benign for Hereditary cancer-predisposing syndrome. Last evaluated: 2024-09-30. Review status: criteria provided, single submitter. Criteria: ACMG Guidelines, 2015. Collection method: clinical testing. Allele origin: germline.

Labcorp Genetics (formerly Invitae), Labcorp
Classification: Likely benign for Hereditary nonpolyposis colorectal neoplasms. Last evaluated: 2024-02-16. Review status: criteria provided, single submitter. Criteria: Invitae Variant Classification Sherloc (09022015). Collection method: clinical testing. Allele origin: germline.

Ambry Genetics
Classification: Likely benign for Hereditary cancer-predisposing syndrome. Last evaluated: 2020-02-15. Review status: criteria provided, single submitter. Criteria: Ambry Variant Classification Scheme 2023. Collection method: clinical testing. Allele origin: germline.